The following is an entry in ClinVar:

NM_001085411.3(NADK2):c.16G>A (p.Gly6Ser)

Genes: NADK2 (NAD kinase 2, mitochondrial; minus strand), LOC129993801 (ATAC-STARR-seq lymphoblastoid silent region 15972; plus strand). Cytogenetic location: 5p13.2.
Variant type: single nucleotide variant.
Coding change: c.16G>A on transcript NM_001085411.3 (MANE Select); coding-DNA position 16, G replaced by A.
Protein change: p.Gly6Ser; replaces glycine 6 with serine.
Molecular consequence: missense variant. On other transcripts: intron variant (2).
Genome position (GRCh38, 1-based): chr5:36,241,783, C>T on the plus strand (G>A on the coding strand, the complement: NADK2 is on the minus strand). VCF-style: chr5-36241783-C-T. GRCh37 (hg19) VCF-style: chr5-36241885-C-T.
Other names: c.-190+313G>A (NM_153013.5, NM_001287341.2); short protein forms G6S.
Identifiers: ClinVar variation 4762221 (VCV004762221.1).

ClinVar aggregate classification (germline): Uncertain significance (1 of 4 stars; one submission).

Conditions:
Progressive encephalopathy with leukodystrophy due to DECR deficiency. Identifiers: Orphanet 431361, MedGen C1857252, MONDO:0014464, OMIM 616034.

Submission:

Labcorp Genetics (formerly Invitae), Labcorp
Classification: Uncertain significance for Progressive encephalopathy with leukodystrophy due to DECR deficiency. Last evaluated: 2025-12-19. Review status: criteria provided, single submitter. Criteria: Invitae Variant Classification Sherloc (09022015). Collection method: clinical testing. Allele origin: germline.
Comment: This sequence change replaces glycine, which is neutral and non-polar, with serine, which is neutral and polar, at codon 6 of the NADK2 protein (p.Gly6Ser). This variant is not present in population databases (gnomAD no frequency). This variant has not been reported in the literature in individuals affected with NADK2-related conditions. An algorithm developed to predict the effect of missense changes on protein structure and function (PolyPhen-2) suggests that this variant is likely to be disruptive. In summary, the available evidence is currently insufficient to determine the role of this variant in disease. Therefore, it has been classified as a Variant of Uncertain Significance.